The following is an entry in ClinVar:

NM_032634.4(PIGO):c.2192G>T (p.Arg731Leu)

Gene: PIGO (phosphatidylinositol glycan anchor biosynthesis class O; minus strand). Cytogenetic location: 9p13.3.
Variant type: single nucleotide variant.
Coding change: c.2192G>T on transcript NM_032634.4 (MANE Select); coding-DNA position 2192, G replaced by T.
Protein change: p.Arg731Leu; replaces arginine 731 with leucine.
Molecular consequence: missense variant. On other transcripts: intron variant (2).
Genome position (GRCh38, 1-based): chr9:35,091,695, C>A on the plus strand (G>T on the coding strand, the complement: PIGO is on the minus strand). VCF-style: chr9-35091695-C-A. GRCh37 (hg19) VCF-style: chr9-35091692-C-A.
Other names: c.1345-404G>T (NM_152850.4, NM_001201484.2); short protein forms R731L.
Identifiers: ClinVar variation 1909825 (VCV001909825.5), dbSNP rs946030670, ClinGen allele CA5040478.

ClinVar aggregate classification (germline): Uncertain significance (1 of 4 stars; one submission).

Conditions:
Hyperphosphatasia with impaired intellectual development syndrome 2. Also called: Hyperphosphatasia with intellectual disability syndrome 2; GLYCOSYLPHOSPHATIDYLINOSITOL BIOSYNTHESIS DEFECT 6. Identifiers: Orphanet 247262, MedGen C3553637, MONDO:0013882, OMIM 614749.

Submission:

Labcorp Genetics (formerly Invitae), Labcorp
Classification: Uncertain significance for Hyperphosphatasia with impaired intellectual development syndrome 2. Last evaluated: 2025-01-21. Review status: criteria provided, single submitter. Criteria: Invitae Variant Classification Sherloc (09022015). Collection method: clinical testing. Allele origin: germline.
Comment: This sequence change replaces arginine, which is basic and polar, with leucine, which is neutral and non-polar, at codon 731 of the PIGO protein (p.Arg731Leu). This variant is present in population databases (no rsID available, gnomAD 0.009%). This variant has not been reported in the literature in individuals affected with PIGO-related conditions. ClinVar contains an entry for this variant (Variation ID: 1909825). Invitae Evidence Modeling of protein sequence and biophysical properties (such as structural, functional, and spatial information, amino acid conservation, physicochemical variation, residue mobility, and thermodynamic stability) indicates that this missense variant is not expected to disrupt PIGO protein function with a negative predictive value of 95%. In summary, the available evidence is currently insufficient to determine the role of this variant in disease. Therefore, it has been classified as a Variant of Uncertain Significance.